The following is an entry in ClinVar:

ClinVar aggregate classification (germline): Uncertain significance (1 of 4 stars; one submission).

Conditions:
SPECC1L-related disorder. Also called: SPECC1L-related condition.

gnomAD v4.1: 2 of 1,614,086 alleles (0.00012%); highest among the groups gnomAD compares: Non-Finnish European, 0.00017%; no homozygotes.

Submission:

PreventionGenetics, part of Exact Sciences
Classification: Uncertain significance for SPECC1L-related condition. Last evaluated: 2026-07-08. Review status: criteria provided, single submitter. Criteria: ACMG Guidelines, 2015. Collection method: clinical testing. Allele origin: germline.
Comment: The SPECC1L c.2803A>T variant is predicted to result in the amino acid substitution p.Met935Leu. To our knowledge, this variant has not been reported in the literature or in a large population database (gnomAD), indicating this variant is rare. At this time, the clinical significance of this variant is uncertain due to the absence of conclusive functional and genetic evidence.

NM_015330.6(SPECC1L):c.2803A>T (p.Met935Leu)

Genes: SPECC1L (sperm antigen with calponin homology and coiled-coil domains 1 like; plus strand), SPECC1L-ADORA2A (SPECC1L-ADORA2A readthrough (NMD candidate); plus strand). Cytogenetic location: 22q11.23.
Variant type: single nucleotide variant.
Coding change: c.2803A>T on transcript NM_015330.6 (MANE Select); coding-DNA position 2803, A replaced by T.
Protein change: p.Met935Leu; replaces methionine 935 with leucine.
Molecular consequence: missense variant. On other transcripts: non-coding transcript variant (1), initiator codon variant (1).
Genome position (GRCh38, 1-based): chr22:24,363,320, A>T. VCF-style: chr22-24363320-A-T. GRCh37 (hg19) VCF-style: chr22-24759288-A-T.
Other names: c.2803A>T, p.Met935Leu (NM_001145468.4, NM_001254732.3); c.1A>T, p.Met1Leu (NM_001254733.2); short protein forms M1L, M935L.
Identifiers: ClinVar variation 4986446 (VCV004986446.1).